The following is an entry in ClinVar:

NM_000104.4(CYP1B1):c.1590T>G (p.Asp530Glu)

Gene: CYP1B1 (cytochrome P450 family 1 subfamily B member 1; minus strand). Cytogenetic location: 2p22.2.
Variant type: single nucleotide variant.
Coding change: c.1590T>G on transcript NM_000104.4 (MANE Select); coding-DNA position 1590, T replaced by G.
Protein change: p.Asp530Glu; replaces aspartic acid 530 with glutamic acid.
Molecular consequence: missense variant.
Genome position (GRCh38, 1-based): chr2:38,070,764, A>C on the plus strand (T>G on the coding strand, the complement: CYP1B1 is on the minus strand). VCF-style: chr2-38070764-A-C. GRCh37 (hg19) VCF-style: chr2-38297907-A-C.
Other names: short protein forms D530E.
Identifiers: ClinVar variation 2058471 (VCV002058471.1), dbSNP rs146770394, ClinGen allele CA1619750.

ClinVar aggregate classification (germline): Uncertain significance (1 of 4 stars; one submission).

Conditions:
Congenital glaucoma. Identifiers: MedGen C0020302, MONDO:0020366.

Submission:

Labcorp Genetics (formerly Invitae), Labcorp
Classification: Uncertain significance for Congenital glaucoma. Last evaluated: 2022-08-15. Review status: criteria provided, single submitter. Criteria: Invitae Variant Classification Sherloc (09022015). Collection method: clinical testing. Allele origin: germline.
Comment: This sequence change replaces aspartic acid, which is acidic and polar, with glutamic acid, which is acidic and polar, at codon 530 of the CYP1B1 protein (p.Asp530Glu). This variant is present in population databases (rs146770394, gnomAD 0.006%). This variant has not been reported in the literature in individuals affected with CYP1B1-related conditions. Advanced modeling of protein sequence and biophysical properties (such as structural, functional, and spatial information, amino acid conservation, physicochemical variation, residue mobility, and thermodynamic stability) performed at Invitae indicates that this missense variant is not expected to disrupt CYP1B1 protein function. In summary, the available evidence is currently insufficient to determine the role of this variant in disease. Therefore, it has been classified as a Variant of Uncertain Significance.